The following is an entry in ClinVar:

NM_199355.4(ADAMTS18):c.769C>T (p.Arg257Cys)

Gene: ADAMTS18 (ADAM metallopeptidase with thrombospondin type 1 motif 18; minus strand). Cytogenetic location: 16q23.1.
Variant type: single nucleotide variant.
Coding change: c.769C>T on transcript NM_199355.4 (MANE Select); coding-DNA position 769, C replaced by T.
Protein change: p.Arg257Cys; replaces arginine 257 with cysteine.
Molecular consequence: missense variant. On other transcripts: synonymous variant (1).
Genome position (GRCh38, 1-based): chr16:77,367,450, G>A on the plus strand (C>T on the coding strand, the complement: ADAMTS18 is on the minus strand). VCF-style: chr16-77367450-G-A. GRCh37 (hg19) VCF-style: chr16-77401347-G-A.
Other names: c.249C>T, p.Asp83= (NM_001326358.2); c.769C>T (NM_199355.2); short protein forms R257C.
Identifiers: ClinVar variation 1399189 (VCV001399189.9), dbSNP rs765623782, ClinGen allele CA8181568.
Genomic context (GRCh38, chr16:77,367,450, plus strand): 5'-ACCTGTCGAGGCCCACATAAGAACAGAAAAAGAAAAAGTTTCCTTACATACATTTCTTGC[G>A]TCGTCCACAAAAATGCTGCTTTTGCAACCTTCGATGGTGATACTCTGTCTCTCGACTCTG-3'
Protein context (NP_955387.1, residues 247-267): RLQKQHFCGR[Arg257Cys]KKYAPKPPTE

ClinVar aggregate classification (germline): Uncertain significance. Review status: criteria provided, multiple submitters, no conflicts (2 of 4 stars). 2 submissions from 2 submitters: Uncertain significance (2). Last evaluated 2022-11-07.

Conditions:
Inborn genetic diseases. Identifiers: MedGen C0950123, MeSH D030342.

Allele frequency attached by ClinVar (database versions not stated): ExAC 0.00004; gnomAD exomes 0.00006.

Submissions (2):

Labcorp Genetics (formerly Invitae), Labcorp
Classification: Uncertain significance. Last evaluated: 2022-11-07. Review status: criteria provided, single submitter. Criteria: Invitae Variant Classification Sherloc (09022015). Collection method: clinical testing. Allele origin: germline.
Comment: In summary, the available evidence is currently insufficient to determine the role of this variant in disease. Therefore, it has been classified as a Variant of Uncertain Significance. Algorithms developed to predict the effect of missense changes on protein structure and function are either unavailable or do not agree on the potential impact of this missense change (SIFT: "Not Available"; PolyPhen-2: "Probably Damaging"; Align-GVGD: "Not Available"). ClinVar contains an entry for this variant (Variation ID: 1399189). This variant has not been reported in the literature in individuals affected with ADAMTS18-related conditions. This variant is present in population databases (rs765623782, gnomAD 0.03%). This sequence change replaces arginine, which is basic and polar, with cysteine, which is neutral and slightly polar, at codon 257 of the ADAMTS18 protein (p.Arg257Cys).

Ambry Genetics
Classification: Uncertain significance for Inborn genetic diseases. Last evaluated: 2021-08-17. Review status: criteria provided, single submitter. Criteria: Ambry Variant Classification Scheme 2023. Collection method: clinical testing. Allele origin: germline.